The following is an entry in ClinVar:

ClinVar aggregate classification (germline): Uncertain significance (1 of 4 stars; one submission).

Conditions:
GNAS-related disorder. Identifiers: MedGen CN380105.

gnomAD v4.1: 1 of 1,587,904 alleles (0.000063%); highest among the groups gnomAD compares: Non-Finnish European, 0.000086%; no homozygotes.

Submission:

PreventionGenetics, part of Exact Sciences
Classification: Uncertain significance for GNAS-related condition. Last evaluated: 2025-10-28. Review status: criteria provided, single submitter. Criteria: ACMG Guidelines, 2015. Collection method: clinical testing. Allele origin: germline.
Comment: The GNAS c.890A>T variant is predicted to result in the amino acid substitution p.Gln297Leu. To our knowledge, this variant has not been reported in the literature or in a large population database (gnomAD), indicating this variant is rare. On the primary transcript NM_000516, this variant is also known as a pre-coding variant c.-37385A>T. At this time, the clinical significance of this variant is uncertain due to the absence of conclusive functional and genetic evidence.

NM_080425.4(GNAS):c.1077A>T (p.Ala359=)

Gene: GNAS (GNAS complex locus; plus strand). Cytogenetic location: 20q13.32.
Variant type: single nucleotide variant.
Coding change: c.1077A>T on transcript NM_080425.4 (MANE Plus Clinical); coding-DNA position 1077, A replaced by T.
Protein change: p.Ala359=; no amino-acid change (alanine 359 retained).
Molecular consequence: synonymous variant. On other transcripts: missense variant (2), intron variant (3).
Genome position (GRCh38, 1-based): chr20:58,854,342, A>T. VCF-style: chr20-58854342-A-T. GRCh37 (hg19) VCF-style: chr20-57429397-A-T.
Other names: c.890A>T, p.Gln297Leu (NM_001077490.3, NM_001309883.1); c.1077A>T, p.Ala359= (NM_001410913.1); c.*42+13456A>T (NM_016592.5); c.43+13456A>T (NM_001410912.1); c.-39+12467A>T (NM_001309861.2); short protein forms Q297L.
Identifiers: ClinVar variation 4994308 (VCV004994308.1).